The following is an entry in ClinVar:

NM_001122955.4(BSCL2):c.939C>T (p.Ile313=)

Genes: BSCL2 (BSCL2 lipid droplet biogenesis associated, seipin; minus strand), HNRNPUL2-BSCL2 (HNRNPUL2-BSCL2 readthrough (NMD candidate); minus strand). Cytogenetic location: 11q12.3.
Variant type: single nucleotide variant.
Coding change: c.939C>T on transcript NM_001122955.4 (MANE Select); coding-DNA position 939, C replaced by T.
Protein change: p.Ile313=; no amino-acid change (isoleucine 313 retained).
Molecular consequence: synonymous variant. On other transcripts: non-coding transcript variant (1), intron variant (1).
Genome position (GRCh38, 1-based): chr11:62,691,346, G>A on the plus strand (C>T on the coding strand, the complement: BSCL2 is on the minus strand). VCF-style: chr11-62691346-G-A. GRCh37 (hg19) VCF-style: chr11-62458818-G-A.
Other names: c.939C>T (NM_001122955.3); c.939C>T, p.Ile313= (NM_001386027.1, NM_001386028.1); c.747C>T, p.Ile249= (NM_032667.6); c.672-205C>T (NM_001130702.2).
Identifiers: ClinVar variation 305175 (VCV000305175.21), dbSNP rs200300686, ClinGen allele CA6053402.

ClinVar aggregate classification (germline): Benign/Likely benign. Review status: criteria provided, multiple submitters, no conflicts (2 of 4 stars). 8 submissions from 7 submitters: Benign (2); Likely benign (6). Last evaluated 2026-07-01.

Conditions:
BSCL2-related disorder. Also called: BSCL2-Related Disorders; BSCL2-related condition.
Inborn genetic diseases. Identifiers: MedGen C0950123, MeSH D030342.
Congenital generalized lipodystrophy type 2 (CGL2). Also called: Berardinelli-Seip Congenital Lipodystrophy Type 2; BERARDINELLI SYNDROME; BRUNZELL SYNDROME, BSCL2-RELATED; SEIP SYNDROME. Identifiers: Orphanet 528, Orphanet 696289, MedGen C1720863, MONDO:0010020, OMIM 269700.
Neuronopathy, distal hereditary motor, type 5A (HMND5). Also called: DHMN VA; Distal Spinal Muscular Atrophy V (dSMA-V); NEURONOPATHY, DISTAL HEREDITARY MOTOR, AUTOSOMAL DOMINANT 5; Distal Spinal Muscular Atrophy V. Identifiers: Orphanet 139536, MedGen CN031873, MONDO:0015353, OMIM 600794.
Charcot-Marie-Tooth disease type 2. Also called: Charcot-Marie-Tooth type 2. Identifiers: Orphanet 64746, MedGen C0270914, MONDO:0018993.

Allele frequency attached by ClinVar (database versions not stated): ESP Exome Variant Server 0.00008; gnomAD 0.00010 and 0.00011; gnomAD exomes 0.00012 and 0.00036; 1000 Genomes Project 30x 0.00016; TOPMed 0.00016; 1000 Genomes Project 0.00020; ExAC 0.00030.
gnomAD v4.1: 185 of 1,614,196 alleles (0.011%); highest among the groups gnomAD compares: East Asian, 0.28%; no homozygotes.

Submissions (8):

CeGaT Center for Human Genetics Tuebingen
Classification: Likely benign. Last evaluated: 2026-07-01. Review status: criteria provided, single submitter. Criteria: CeGaT Center For Human Genetics Tuebingen Variant Classification Criteria Version 2. Collection method: clinical testing. Allele origin: germline. Affected: yes. Observed: 1 variant allele.
Comment: BSCL2: BP4, BP7

PreventionGenetics, part of Exact Sciences
Classification: Likely benign for BSCL2-related condition. Last evaluated: 2025-10-01. Review status: criteria provided, single submitter. Criteria: ACMG Guidelines, 2015. Collection method: clinical testing. Allele origin: germline.
Comment: This variant is classified as likely benign based on ACMG/AMP sequence variant interpretation guidelines (Richards et al. 2015 PMID: 25741868, with internal and published modifications).

Labcorp Genetics (formerly Invitae), Labcorp
Classification: Benign for Charcot-Marie-Tooth disease type 2. Last evaluated: 2025-04-14. Review status: criteria provided, single submitter. Criteria: Invitae Variant Classification Sherloc (09022015). Collection method: clinical testing. Allele origin: germline.

Ambry Genetics
Classification: Likely benign for Inborn genetic diseases. Last evaluated: 2019-07-11. Review status: criteria provided, single submitter. Criteria: Ambry Variant Classification Scheme 2023. Collection method: clinical testing. Allele origin: germline.

Athena Diagnostics
Classification: Benign. Last evaluated: 2018-09-21. Review status: criteria provided, single submitter. Criteria: Athena Diagnostics Criteria. Collection method: clinical testing. Allele origin: germline.

Illumina Laboratory Services, Illumina
Classification: Likely benign for Congenital generalized lipodystrophy type 2. Last evaluated: 2018-01-13. Review status: criteria provided, single submitter. Criteria: ICSL Variant Classification Criteria 13 December 2019. Collection method: clinical testing. Allele origin: germline.
Comment: This variant was observed in the ICSL laboratory as part of a predisposition screen in an ostensibly healthy population. It had not been previously curated by ICSL or reported in the Human Gene Mutation Database (HGMD: prior to June 1st, 2018), and was therefore a candidate for classification through an automated scoring system. Utilizing variant allele frequency, disease prevalence and penetrance estimates, and inheritance mode, an automated score was calculated to assess if this variant is too frequent to cause the disease. Based on the score and internal cut-off values, a variant classified as likely benign is not then subjected to further curation. The score for this variant resulted in a classification of likely benign for this disease.

Illumina Laboratory Services, Illumina
Classification: Likely benign for Neuronopathy, distal hereditary motor, type 5A. Last evaluated: 2018-01-13. Review status: criteria provided, single submitter. Criteria: ICSL Variant Classification Criteria 13 December 2019. Collection method: clinical testing. Allele origin: germline.
Comment: the same text as in the submission from Illumina Laboratory Services, Illumina above.

GeneDx
Classification: Likely benign. Last evaluated: 2017-10-24. Review status: criteria provided, single submitter. Criteria: GeneDx Variant Classification (06012015). Collection method: clinical testing. Allele origin: germline. Affected: yes.
Comment: This variant is considered likely benign or benign based on one or more of the following criteria: it is a conservative change, it occurs at a poorly conserved position in the protein, it is predicted to be benign by multiple in silico algorithms, and/or has population frequency not consistent with disease.